The following is an entry in ClinVar:

ClinVar aggregate classification (germline): Uncertain significance (1 of 4 stars; one submission).

Conditions:
Inborn genetic diseases. Identifiers: MedGen C0950123, MeSH D030342.

Submission:

Ambry Genetics
Classification: Uncertain significance for Inborn genetic diseases. Last evaluated: 2025-12-09. Review status: criteria provided, single submitter. Criteria: Ambry Variant Classification Scheme 2023. Collection method: clinical testing. Allele origin: germline.
Comment: The p.D575V variant (also known as c.1724A>T), located in coding exon 11 of the ERCC6L2 gene, results from an A to T substitution at nucleotide position 1724. The aspartic acid at codon 575 is replaced by valine, an amino acid with highly dissimilar properties. This amino acid position is conserved. In addition, the in silico prediction for this alteration is inconclusive. Based on the available evidence, the clinical significance of this variant remains unclear.

NM_020207.7(ERCC6L2):c.1724A>T (p.Asp575Val)

Gene: ERCC6L2 (ERCC excision repair 6 like 2; plus strand). Cytogenetic location: 9q22.32.
Variant type: single nucleotide variant.
Coding change: c.1724A>T on transcript NM_020207.7 (MANE Select); coding-DNA position 1724, A replaced by T.
Protein change: p.Asp575Val; replaces aspartic acid 575 with valine.
Molecular consequence: missense variant. On other transcripts: non-coding transcript variant (1).
Genome position (GRCh38, 1-based): chr9:95,928,837, A>T. VCF-style: chr9-95928837-A-T. GRCh37 (hg19) VCF-style: chr9-98691119-A-T.
Other names: c.1724A>T, p.Asp575Val (NM_001010895.4, NM_001375291.1, NM_001375292.1 and 2 more transcripts); short protein forms D575V.
Identifiers: ClinVar variation 4618784 (VCV004618784.1).
Genomic context (GRCh38, chr9:95,928,837, plus strand): 5'-ATGGAAGTACAAAATCAGAGGAAAGACTCAAGATTGTAAAAGAGTTCAACAGTACACAAG[A>T]TGTTAACATTTGCCTTGTCTCTACAATGTAAGAAAATTAAATTTAATAACTAGATTTTTA-3'
Protein context (NP_064592.3, residues 565-585): KIVKEFNSTQ[Asp575Val]VNICLVSTMA